The following is an entry in ClinVar:

NM_001298.3(CNGA3):c.2013del (p.Gly672fs)

Gene: CNGA3 (cyclic nucleotide gated channel subunit alpha 3; plus strand). Cytogenetic location: 2q11.2.
Variant type: Deletion.
Coding change: c.2013del on transcript NM_001298.3 (MANE Select); coding-DNA position 2013, one base deleted (T; older notation c.2013delT).
Protein change: p.Gly672fs; shifts the reading frame from glycine 672.
Molecular consequence: frameshift variant.
Genome position (GRCh38, 1-based): chr2:98,397,183, T deleted. VCF-style (leftmost placement, unchanged base first): chr2-98397182-GT-G. GRCh37 (hg19) VCF-style: chr2-99013645-GT-G.
Other names: c.1959del, p.Gly654fs (NM_001079878.2); short protein forms G654fs, G672fs.
Identifiers: ClinVar variation 3382583 (VCV003382583.2).

ClinVar aggregate classification (germline): Likely pathogenic (1 of 4 stars; one submission).

Conditions:
Achromatopsia 2 (ACHM2). Also called: ROD MONOCHROMACY 2; ROD MONOCHROMATISM 2; COLORBLINDNESS, TOTAL. Identifiers: Orphanet 49382, MedGen C1857618, MONDO:0009003, OMIM 216900.

Submission:

Juno Genomics, Hangzhou Juno Genomics, Inc
Classification: Likely pathogenic for Achromatopsia 2. Review status: criteria provided, single submitter. Criteria: ACMG Guidelines, 2015. Collection method: clinical testing. Allele origin: germline. Affected: yes.
Comment: Absent from controls (or at extremely low frequency if recessive) in Genome Aggregation Database, Exome Sequencing Project, 1000 Genomes Project, or Exome Aggregation Consortium.;Null variant in a gene where loss of function (LOF) is a known mechanism of disease.;For recessive disorders, detected in trans with a pathogenic variant.;Patient's phenotype or family history is highly specific for a disease with a single genetic etiology.